The following is an entry in ClinVar:

ClinVar aggregate classification (germline): Likely benign (1 of 4 stars; one submission).

Submission:

CeGaT Center for Human Genetics Tuebingen
Classification: Likely benign. Last evaluated: 2022-04-01. Review status: criteria provided, single submitter. Criteria: CeGaT Center For Human Genetics Tuebingen Variant Classification Criteria Version 2. Collection method: clinical testing. Allele origin: germline. Affected: yes. Observed: 1 variant allele.
Comment: HELZ2: PM2:Supporting, BP4, BP7

NM_001037335.2(HELZ2):c.564C>T (p.His188=)

Gene: HELZ2 (helicase with zinc finger 2; minus strand). Cytogenetic location: 20q13.33.
Variant type: single nucleotide variant.
Coding change: c.564C>T on transcript NM_001037335.2 (MANE Select); coding-DNA position 564, C replaced by T.
Protein change: p.His188=; no amino-acid change (histidine 188 retained).
Molecular consequence: synonymous variant.
Genome position (GRCh38, 1-based): chr20:63,570,510, G>A on the plus strand (C>T on the coding strand, the complement: HELZ2 is on the minus strand). VCF-style: chr20-63570510-G-A. GRCh37 (hg19) VCF-style: chr20-62201863-G-A.
Identifiers: ClinVar variation 2652556 (VCV002652556.24), dbSNP rs759248213, ClinGen allele CA511659822.